The following is an entry in ClinVar:

NM_001365276.2(TNXB):c.9115+2T>C

Gene: TNXB (tenascin XB; minus strand). Cytogenetic location: 6p21.33.
Variant type: single nucleotide variant.
Coding change: c.9115+2T>C on transcript NM_001365276.2 (MANE Select); the canonical splice donor site of the intron after coding-DNA position 9115, T replaced by C.
Molecular consequence: splice donor variant.
Genome position (GRCh38, 1-based): chr6:32,052,668, A>G on the plus strand (T>C on the coding strand, the complement: TNXB is on the minus strand). VCF-style: chr6-32052668-A-G. GRCh37 (hg19) VCF-style: chr6-32020445-A-G.
Other names: c.9109+2T>C (NM_019105.8); c.9856+2T>C (NM_001428335.1).
Identifiers: ClinVar variation 3593453 (VCV003593453.3).

ClinVar aggregate classification (germline): Conflicting classifications of pathogenicity. Review status: criteria provided, conflicting classifications (1 of 4 stars). 3 submissions from 3 submitters: Likely pathogenic (1); Uncertain significance (2). Last evaluated 2025-10-27.

Conditions:
Ehlers-Danlos syndrome due to tenascin-X deficiency (EDSCLL1). Also called: EHLERS-DANLOS SYNDROME, CLASSIC-LIKE; Ehlers-Danlos syndrome, classic-like, 1; TNXB-Related Classical-Like Ehlers-Danlos Syndrome; EDS DUE TO TNX DEFICIENCY; TNX DEFICIENCY. Identifiers: Orphanet 230839, MedGen C1848029, MONDO:0011670, OMIM 606408.
Vesicoureteral reflux 8 (VUR8). Identifiers: Orphanet 289365, MedGen C4014831, MONDO:0014422, OMIM 615963.

gnomAD v4.1: 5 of 1,611,538 alleles (0.00031%); highest among the groups gnomAD compares: South Asian, 0.0022%; no homozygotes.

Submissions (3):

Myriad Genetics, Inc.
Classification: Uncertain significance for Ehlers-Danlos syndrome due to tenascin-X deficiency. Last evaluated: 2025-10-27. Review status: criteria provided, single submitter. Criteria: Myriad Autosomal Dominant, Autosomal Recessive and X-Linked Classification Criteria (2023). Collection method: clinical testing. Allele origin: unknown.
Comment: NM_019105.6(TNXB):c.9109+2T>C is a variant in a canonical splice site classified as a variant of uncertain significance in the context of classical-like Ehlers-Danlos syndrome, TNXB-related. c.9109+2T>C has not been observed in cases with relevant disease. Relevant functional assessments of this variant are not available in the literature. c.9109+2T>C has been observed in referenced population frequency databases. In summary, there is insufficient evidence to classify NM_019105.6(TNXB):c.9109+2T>C as pathogenic or benign. Please note: this variant was assessed in the context of healthy population screening.

Mayo Clinic Laboratories, Mayo Clinic
Classification: Uncertain significance. Last evaluated: 2025-08-01. Review status: criteria provided, single submitter. Criteria: ACMG Guidelines, 2015. Collection method: clinical testing. Allele origin: germline. Observed: 1 variant allele.
Comment: PM2_supporting, PVS1_moderate

Fulgent Genetics
Classification: Likely pathogenic for Ehlers-Danlos syndrome due to tenascin-X deficiency; Vesicoureteral reflux 8. Last evaluated: 2024-04-30. Review status: criteria provided, single submitter. Criteria: ACMG Guidelines, 2015. Collection method: clinical testing. Allele origin: germline.

Literature cited by the submitters: PubMed 32572181 (cited by Mayo Clinic Laboratories, Mayo Clinic).